The following is an entry in ClinVar:

NM_015338.6(ASXL1):c.3202C>T (p.Arg1068Ter)

Gene: ASXL1 (ASXL transcriptional regulator 1; plus strand). Cytogenetic location: 20q11.21.
Variant type: single nucleotide variant.
Coding change: c.3202C>T on transcript NM_015338.6 (MANE Select); coding-DNA position 3202, C replaced by T.
Protein change: p.Arg1068Ter; replaces arginine 1068 with a stop codon.
Molecular consequence: nonsense.
Genome position (GRCh38, 1-based): chr20:32,435,914, C>T. VCF-style: chr20-32435914-C-T. GRCh37 (hg19) VCF-style: chr20-31023717-C-T.
Other names: c.3019C>T, p.Arg1007Ter (NM_001363734.1); short protein forms R1068*, R1007*.
Identifiers: ClinVar variation 431709 (VCV000431709.5), dbSNP rs764651405, ClinGen allele CA9808774.

ClinVar aggregate classification (germline): Pathogenic. Review status: criteria provided, multiple submitters, no conflicts (2 of 4 stars). 2 submissions from 2 submitters: Pathogenic (2). Last evaluated 2022-11-08.

Conditions:
Bohring-Opitz syndrome. Also called: OPITZ TRIGONOCEPHALY-LIKE SYNDROME; ASXL1-Related Bohring-Opitz Syndrome; C-LIKE SYNDROME; BOHRING SYNDROME. Identifiers: Orphanet 97297, MedGen C0796232, MONDO:0011510, OMIM 605039.

Allele frequency attached by ClinVar (database versions not stated): ExAC 0.00001.
gnomAD v4.1: 7 of 1,614,140 alleles (0.00043%); highest among the groups gnomAD compares: Admixed American, 0.0017%; no homozygotes.

Submissions (2):

GeneDx
Classification: Pathogenic. Last evaluated: 2022-11-08. Review status: criteria provided, single submitter. Criteria: GeneDx Variant Classification Process June 2021. Collection method: clinical testing. Allele origin: germline. Affected: yes.
Comment: Identified in a patient with atypical cerebral palsy, brain imaging abnormality, and severe to profound intellectual disability in published literature (Matthews et al., 2019); Nonsense variant predicted to result in protein truncation, as the last 474 amino acids are lost, and other loss-of-function variants have been reported downstream in HGMD; This variant is associated with the following publications: (PMID: 30992690, 30707044, 31785789, 32369273, 31618486, 30542205)

TIDEX, University of British Columbia
Classification: Pathogenic for Bohring-Opitz syndrome. Review status: criteria provided, single submitter. Criteria: ACMG Guidelines, 2015. Collection method: research. Allele origin: de novo. Inheritance: Autosomal dominant inheritance. Affected: yes.